The following is an entry in ClinVar:

ClinVar aggregate classification (germline): Pathogenic (1 of 4 stars; one submission).

Conditions:
Duchenne muscular dystrophy (DMD). Also called: Duchenne Muscular Dystrophy (DMD); MUSCULAR DYSTROPHY, PSEUDOHYPERTROPHIC PROGRESSIVE, DUCHENNE TYPE. Identifiers: Orphanet 98896, MedGen C0013264, MONDO:0010679, OMIM 310200.

Submission:

Labcorp Genetics (formerly Invitae), Labcorp
Classification: Pathogenic for Duchenne muscular dystrophy. Last evaluated: 2024-11-02. Review status: criteria provided, single submitter. Criteria: Invitae Variant Classification Sherloc (09022015). Collection method: clinical testing. Allele origin: germline.
Comment: This sequence change affects an acceptor splice site in intron 12 of the DMD gene. It is expected to disrupt RNA splicing. Variants that disrupt the donor or acceptor splice site typically lead to a loss of protein function (PMID: 16199547), and loss-of-function variants in DMD are known to be pathogenic (PMID: 16770791, 25007885). This variant is not present in population databases (gnomAD no frequency). Disruption of this splice site has been observed in individuals with Becker muscular dystrophy (PMID: 21515508). Algorithms developed to predict the effect of sequence changes on RNA splicing suggest that this variant may disrupt the consensus splice site. For these reasons, this variant has been classified as Pathogenic.

Literature cited by the submitters: PubMed 16199547; PubMed 16770791; PubMed 25007885; PubMed 21515508.

NM_004006.3(DMD):c.1483-2A>T

Gene: DMD (dystrophin; minus strand). Cytogenetic location: Xp21.1.
Variant type: single nucleotide variant.
Coding change: c.1483-2A>T on transcript NM_004006.3 (MANE Select); the canonical splice acceptor site of the intron before coding-DNA position 1483, A replaced by T.
Molecular consequence: splice acceptor variant.
Genome position (GRCh38, 1-based): chrX:32,595,878, T>A on the plus strand (A>T on the coding strand, the complement: DMD is on the minus strand). VCF-style: chrX-32595878-T-A. GRCh37 (hg19) VCF-style: chrX-32613995-T-A.
Other names: c.1459-2A>T (NM_000109.4); c.1471-2A>T (NM_004009.3); c.1114-2A>T (NM_004010.3).
Identifiers: ClinVar variation 3723532 (VCV003723532.2).
Genomic context (GRCh38, chrX:32,595,878, plus strand): 5'-ACCATGTGAGTGAGAGAATTGACCCTGACTTGTTCTTGTTCTAGATCTTCTTGAAGCACC[T>A]GAAAGATAAAATGTTTTAAAGGAAATTAAAATGATATTCTTACATGTGTGTTGAAATGAT-3'